The following is an entry in ClinVar:

NM_002519.3(NPAT):c.4263A>C (p.Leu1421Phe)

Gene: NPAT (nuclear protein, coactivator of histone transcription; minus strand). Cytogenetic location: 11q22.3.
Variant type: single nucleotide variant.
Coding change: c.4263A>C on transcript NM_002519.3 (MANE Select); coding-DNA position 4263, A replaced by C.
Protein change: p.Leu1421Phe; replaces leucine 1421 with phenylalanine.
Molecular consequence: missense variant.
Genome position (GRCh38, 1-based): chr11:108,158,963, T>G on the plus strand (A>C on the coding strand, the complement: NPAT is on the minus strand). VCF-style: chr11-108158963-T-G. GRCh37 (hg19) VCF-style: chr11-108029690-T-G.
Other names: c.4284A>C, p.Leu1428Phe (NM_001321307.1); short protein forms L1421F, L1428F.
Identifiers: ClinVar variation 2453804 (VCV002453804.3), dbSNP rs763893971, ClinGen allele CA382508995.

ClinVar aggregate classification (germline): Uncertain significance. Review status: criteria provided, multiple submitters, no conflicts (2 of 4 stars). 2 submissions from 2 submitters: Uncertain significance (2). Last evaluated 2025-08-23.

Submissions (2):

Labcorp Genetics (formerly Invitae), Labcorp
Classification: Uncertain significance. Last evaluated: 2025-08-23. Review status: criteria provided, single submitter. Criteria: Invitae Variant Classification Sherloc (09022015). Collection method: clinical testing. Allele origin: germline.
Comment: This sequence change replaces leucine, which is neutral and non-polar, with phenylalanine, which is neutral and non-polar, at codon 1421 of the NPAT protein (p.Leu1421Phe). This variant is not present in population databases (gnomAD no frequency). This variant has not been reported in the literature in individuals affected with NPAT-related conditions. ClinVar contains an entry for this variant (Variation ID: 2453804). An algorithm developed to predict the effect of missense changes on protein structure and function (PolyPhen-2) suggests that this variant is likely to be disruptive. In summary, the available evidence is currently insufficient to determine the role of this variant in disease. Therefore, it has been classified as a Variant of Uncertain Significance.

Ambry Genetics
Classification: Uncertain significance. Last evaluated: 2023-02-25. Review status: criteria provided, single submitter. Criteria: Ambry Variant Classification Scheme 2023. Collection method: clinical testing. Allele origin: germline.
Comment: The p.L1421F variant (also known as c.4263A>C), located in coding exon 18 of the NPAT gene, results from an A to C substitution at nucleotide position 4263. The leucine at codon 1421 is replaced by phenylalanine, an amino acid with highly similar properties. This amino acid position is conserved. In addition, this alteration is predicted to be tolerated by in silico analysis. Since supporting evidence is limited at this time, the clinical significance of this alteration remains unclear.